The following is an entry in ClinVar:

NM_033641.4(COL4A6):c.2309G>A (p.Gly770Glu)

Gene: COL4A6 (collagen type IV alpha 6 chain; minus strand). Cytogenetic location: Xq22.3.
Variant type: single nucleotide variant.
Coding change: c.2309G>A on transcript NM_033641.4 (MANE Select); coding-DNA position 2309, G replaced by A.
Protein change: p.Gly770Glu; replaces glycine 770 with glutamic acid.
Molecular consequence: missense variant.
Genome position (GRCh38, 1-based): chrX:108,179,261, C>T on the plus strand (G>A on the coding strand, the complement: COL4A6 is on the minus strand). VCF-style: chrX-108179261-C-T. GRCh37 (hg19) VCF-style: chrX-107422491-C-T.
Other names: c.2360G>A, p.Gly787Glu (NM_001287758.2); c.2309G>A, p.Gly770Glu (NM_001287759.2, NM_001287760.2); c.2312G>A, p.Gly771Glu (NM_001847.4); c.2312G>A (NM_001847.3); short protein forms G770E, G771E, G787E.
Identifiers: ClinVar variation 1317393 (VCV001317393.6), dbSNP rs774439639, ClinGen allele CA10487651.
Genomic context (GRCh38, chrX:108,179,261, plus strand): 5'-GGGCAAAAAGATTCACCCTTGAGTCCTGGAAGGCCAGAGTCTCCAAGAAATCCTTTGTGC[C>T]CTGTTAATCCTTGTAGGCCTTGTTCCCCCGGAGCACCATTTTCAGCACCAAAGATGTCAC-3'
Protein context (NP_378667.1, residues 760-780): PGEQGLQGLT[Gly770Glu]HKGFLGDSGL

ClinVar aggregate classification (germline): Likely benign. Review status: criteria provided, multiple submitters, no conflicts (2 of 4 stars). 3 submissions from 3 submitters: Likely benign (3). Last evaluated 2025-06-27.

Conditions:
COL4A6-related disorder. Also called: COL4A6-related condition.

Allele frequency attached by ClinVar (database versions not stated): gnomAD 0.00003; gnomAD exomes 0.00009 and 0.00022; TOPMed 0.00011; ExAC 0.00025.
gnomAD v4.1: 43 of 1,209,365 alleles (0.0036%); highest among the groups gnomAD compares: Admixed American, 0.092%; no homozygotes.

Submissions (3):

PreventionGenetics, part of Exact Sciences
Classification: Likely benign for COL4A6-related condition. Last evaluated: 2025-06-27. Review status: criteria provided, single submitter. Criteria: ACMG Guidelines, 2015. Collection method: clinical testing. Allele origin: germline.
Comment: This variant is classified as likely benign based on ACMG/AMP sequence variant interpretation guidelines (Richards et al. 2015 PMID: 25741868, with internal and published modifications).

Labcorp Genetics (formerly Invitae), Labcorp
Classification: Likely benign. Last evaluated: 2022-10-29. Review status: criteria provided, single submitter. Criteria: Invitae Variant Classification Sherloc (09022015). Collection method: clinical testing. Allele origin: germline.

GeneDx
Classification: Likely benign. Last evaluated: 2020-11-12. Review status: criteria provided, single submitter. Criteria: GeneDx Variant Classification Process June 2021. Collection method: clinical testing. Allele origin: germline. Affected: yes.